The following is an entry in ClinVar:

ClinVar aggregate classification (germline): Likely benign (1 of 4 stars; one submission).

Allele frequency attached by ClinVar (database versions not stated): gnomAD exomes 0.00001; ExAC 0.00002.
gnomAD v4.1: 9 of 1,613,968 alleles (0.00056%); highest among the groups gnomAD compares: Non-Finnish European, 0.00076%; no homozygotes.

Submission:

CeGaT Center for Human Genetics Tuebingen
Classification: Likely benign. Last evaluated: 2024-03-01. Review status: criteria provided, single submitter. Criteria: CeGaT Center For Human Genetics Tuebingen Variant Classification Criteria Version 2. Collection method: clinical testing. Allele origin: germline. Affected: yes. Observed: 1 variant allele.
Comment: SYNE2: BP4

NM_182914.3(SYNE2):c.10475T>C (p.Leu3492Pro)

Gene: SYNE2 (spectrin repeat containing nuclear envelope protein 2; plus strand). Cytogenetic location: 14q23.2.
Variant type: single nucleotide variant.
Coding change: c.10475T>C on transcript NM_182914.3 (MANE Select); coding-DNA position 10475, T replaced by C.
Protein change: p.Leu3492Pro; replaces leucine 3492 with proline.
Molecular consequence: missense variant.
Genome position (GRCh38, 1-based): chr14:64,070,688, T>C. VCF-style: chr14-64070688-T-C. GRCh37 (hg19) VCF-style: chr14-64537406-T-C.
Other names: c.10475T>C, p.Leu3492Pro (NM_015180.6); short protein forms L3492P.
Identifiers: ClinVar variation 3067482 (VCV003067482.21), dbSNP rs766963313, ClinGen allele CA7221531.
Genomic context (GRCh38, chr14:64,070,688, plus strand): 5'-TTTGTTTTTTGAATTAGATTGAACGAGAGGCAATTATTTTAGATAATCTTCAGGAAGAAC[T>C]CCCTGAAATTTCCAAAACAAAAGAGGCAGCCACCACAGAGGAACTCTCTGAGCTGCTAGA-3'
Protein context (NP_878918.2, residues 3482-3502): AIILDNLQEE[Leu3492Pro]PEISKTKEAA